The following is an entry in ClinVar:

NM_003924.4(PHOX2B):c.197G>T (p.Ser66Ile)

Genes: PHOX2B (paired like homeobox 2B; minus strand), PHOX2B-AS1 (PHOX2B antisense RNA 1; plus strand). Cytogenetic location: 4p13.
Variant type: single nucleotide variant.
Coding change: c.197G>T on transcript NM_003924.4 (MANE Select); coding-DNA position 197, G replaced by T.
Protein change: p.Ser66Ile; replaces serine 66 with isoleucine.
Molecular consequence: missense variant. On other transcripts: non-coding transcript variant (1).
Genome position (GRCh38, 1-based): chr4:41,748,414, C>A on the plus strand (G>T on the coding strand, the complement: PHOX2B is on the minus strand). VCF-style: chr4-41748414-C-A. GRCh37 (hg19) VCF-style: chr4-41750431-C-A.
Other names: short protein forms S66I.
Identifiers: ClinVar variation 5026562 (VCV005026562.1).

ClinVar aggregate classification (germline): Uncertain significance (1 of 4 stars; one submission).

Conditions:
Hereditary cancer-predisposing syndrome. Also called: Neoplastic Syndromes, Hereditary; Tumor predisposition; Hereditary neoplastic syndrome; Hereditary Cancer Syndrome. Identifiers: Orphanet 140162, MedGen C0027672, MeSH D009386, MONDO:0015356.

Submission:

Ambry Genetics
Classification: Uncertain significance for Hereditary cancer-predisposing syndrome. Last evaluated: 2026-07-06. Review status: criteria provided, single submitter. Criteria: Ambry Variant Classification Scheme 2023. Collection method: clinical testing. Allele origin: germline.
Comment: The p.S66I variant (also known as c.197G>T), located in coding exon 1 of the PHOX2B gene, results from a G to T substitution at nucleotide position 197. The serine at codon 66 is replaced by isoleucine, an amino acid with dissimilar properties. This amino acid position is conserved. In addition, this alteration is predicted to be deleterious by in silico analysis. Based on the available evidence, the clinical significance of this variant remains unclear.